The following is an entry in ClinVar:

ClinVar aggregate classification (germline): Conflicting classifications of pathogenicity. Review status: criteria provided, conflicting classifications (1 of 4 stars). 5 submissions from 4 submitters: Uncertain significance (2); Benign (1); Likely benign (2). Last evaluated 2026-01-22.

Conditions:
Sengers syndrome. Also called: MITOCHONDRIAL DNA DEPLETION SYNDROME 10 (CARDIOMYOPATHIC TYPE); Cardiomyopathy and cataract. Identifiers: Orphanet 1369, MedGen C1859317, MONDO:0008922, OMIM 212350.
Cataract 38. Also called: Cataract, autosomal recessive congenital 5; Cataract 38, autosomal recessive. Identifiers: Orphanet 91492, MedGen C3553494, MONDO:0013859, OMIM 614691.

Allele frequency attached by ClinVar (database versions not stated): 1000 Genomes Project 0.00040; gnomAD 0.00041 and 0.00042; gnomAD exomes 0.00046 and 0.00076; TOPMed 0.00046; 1000 Genomes Project 30x 0.00047; ExAC 0.00048; ESP Exome Variant Server 0.00077.
gnomAD v4.1: 1,147 of 1,603,852 alleles (0.072%); highest among the groups gnomAD compares: Non-Finnish European, 0.093%; no homozygotes.

Submissions (5):

Labcorp Genetics (formerly Invitae), Labcorp
Classification: Likely benign for Sengers syndrome; Cataract 38. Last evaluated: 2026-01-22. Review status: criteria provided, single submitter. Criteria: Invitae Variant Classification Sherloc (09022015). Collection method: clinical testing. Allele origin: germline.

Blueprint Genetics
Classification: Likely benign. Last evaluated: 2024-10-24. Review status: criteria provided, single submitter. Criteria: ACMG Guidelines, 2015. Collection method: clinical testing. Allele origin: germline.

Illumina Laboratory Services, Illumina
Classification: Uncertain significance for Sengers syndrome. Last evaluated: 2018-01-13. Review status: criteria provided, single submitter. Criteria: ICSL Variant Classification Criteria 13 December 2019. Collection method: clinical testing. Allele origin: germline.

Illumina Laboratory Services, Illumina
Classification: Uncertain significance for Cataract 38. Last evaluated: 2018-01-13. Review status: criteria provided, single submitter. Criteria: ICSL Variant Classification Criteria 13 December 2019. Collection method: clinical testing. Allele origin: germline.

GeneDx
Classification: Benign. Last evaluated: 2014-05-12. Review status: criteria provided, single submitter. Criteria: GeneDx Variant Classification (06012015). Collection method: clinical testing. Allele origin: germline. Affected: yes.
Comment: This variant is considered likely benign or benign based on one or more of the following criteria: it is a conservative change, it occurs at a poorly conserved position in the protein, it is predicted to be benign by multiple in silico algorithms, and/or has population frequency not consistent with disease.

NM_018238.4(AGK):c.877+14C>T

Gene: AGK (acylglycerol kinase; plus strand). Cytogenetic location: 7q34.
Variant type: single nucleotide variant.
Coding change: c.877+14C>T on transcript NM_018238.4 (MANE Select); 14 bases into the intron after coding-DNA position 877, C replaced by T.
Molecular consequence: intron variant.
Genome position (GRCh38, 1-based): chr7:141,641,412, C>T. VCF-style: chr7-141641412-C-T. GRCh37 (hg19) VCF-style: chr7-141341212-C-T.
Other names: c.877+14C>T (NM_001364948.3).
Identifiers: ClinVar variation 136319 (VCV000136319.13), dbSNP rs41275003, ClinGen allele CA289327.